The following is an entry in ClinVar:

ClinVar aggregate classification (germline): Uncertain significance. Review status: criteria provided, multiple submitters, no conflicts (2 of 4 stars). 2 submissions from 2 submitters: Uncertain significance (2). Last evaluated 2025-05-14.

Submissions (2):

GeneDx
Classification: Uncertain significance. Last evaluated: 2025-05-14. Review status: criteria provided, single submitter. Criteria: GeneDx Variant Classification Process June 2021. Collection method: clinical testing. Allele origin: germline. Affected: yes.
Comment: Frameshift variant predicted to result in protein truncation or nonsense mediated decay in a gene or region of a gene for which loss of function is not a well-established mechanism of disease; Not observed at significant frequency in large population cohorts (gnomAD); Has not been previously published as pathogenic or benign to our knowledge

Women's Health and Genetics/Laboratory Corporation of America, LabCorp
Classification: Uncertain significance. Last evaluated: 2024-06-21. Review status: criteria provided, single submitter. Criteria: LabCorp Variant Classification Summary - May 2015. Collection method: clinical testing. Allele origin: germline.
Comment: Variant summary: PDE11A c.466delG (p.Ala156HisfsX25) results in a premature termination codon, predicted to cause a truncation of the encoded protein or absence of the protein due to nonsense mediated decay, however current evidence is not sufficient to establish loss-of-function variants in PDE11A as causative of disease. The variant allele was found at a frequency of 4e-06 in 251258 control chromosomes. The available data on variant occurrences in the general population are insufficient to allow any conclusion about variant significance. To our knowledge, no occurrence of c.466delG in individuals affected with Pigmented Nodular Adrenocortical Disease, Primary, 2 and no experimental evidence demonstrating its impact on protein function have been reported. No submitters have cited clinical-significance assessments for this variant to ClinVar. Based on the evidence outlined above, the variant was classified as uncertain significance.

NM_016953.4(PDE11A):c.466del (p.Ala156fs)

Gene: PDE11A (phosphodiesterase 11A; minus strand). Cytogenetic location: 2q31.2.
Variant type: Deletion.
Coding change: c.466del on transcript NM_016953.4 (MANE Select); coding-DNA position 466, one base deleted (G; older notation c.466delG).
Protein change: p.Ala156fs; shifts the reading frame from alanine 156.
Molecular consequence: frameshift variant. On other transcripts: intron variant (1).
Genome position (GRCh38, 1-based): chr2:178,071,972, C deleted on the plus strand (G on the coding strand, the reverse complement: PDE11A is on the minus strand); the first of 3 consecutive C bases (chr2:178,071,972-178,071,974); deleting any one gives the same sequence. VCF-style (leftmost placement, unchanged base first): chr2-178071971-GC-G. GRCh37 (hg19) VCF-style: chr2-178936698-GC-G.
Other names: c.466delG (NM_016953.4); c.162+32330del (NM_001077197.2); c.466del (NM_016953.3); short protein forms A156fs.
Identifiers: ClinVar variation 3339889 (VCV003339889.2).